The following is an entry in ClinVar:

NM_024817.3(THSD4):c.1892C>T (p.Thr631Met)

Gene: THSD4 (thrombospondin type 1 domain containing 4; plus strand). Cytogenetic location: 15q23.
Variant type: single nucleotide variant.
Coding change: c.1892C>T on transcript NM_024817.3 (MANE Select); coding-DNA position 1892, C replaced by T.
Protein change: p.Thr631Met; replaces threonine 631 with methionine.
Molecular consequence: missense variant.
Genome position (GRCh38, 1-based): chr15:71,737,993, C>T. VCF-style: chr15-71737993-C-T. GRCh37 (hg19) VCF-style: chr15-72030332-C-T.
Other names: c.812C>T, p.Thr271Met (NM_001286429.2); c.1892C>T, p.Thr631Met (NM_001394532.1); short protein forms T271M, T631M.
Identifiers: ClinVar variation 2578744 (VCV002578744.25), dbSNP rs771776748, ClinGen allele CA7639675.

ClinVar aggregate classification (germline): Likely benign (1 of 4 stars; one submission).

Allele frequency attached by ClinVar (database versions not stated): gnomAD exomes below 0.00001; ExAC 0.00001; gnomAD 0.00001; TOPMed 0.00001.
gnomAD v4.1: 6 of 1,613,392 alleles (0.00037%); highest among the groups gnomAD compares: Admixed American, 0.0017%; no homozygotes.

Submission:

CeGaT Center for Human Genetics Tuebingen
Classification: Likely benign. Last evaluated: 2023-07-01. Review status: criteria provided, single submitter. Criteria: CeGaT Center For Human Genetics Tuebingen Variant Classification Criteria Version 2. Collection method: clinical testing. Allele origin: germline. Affected: yes. Observed: 1 variant allele.
Comment: THSD4: BP4